The following is an entry in ClinVar:

NM_002485.5(NBN):c.1306T>C (p.Leu436=)

Gene: NBN (nibrin; minus strand). Cytogenetic location: 8q21.3.
Variant type: single nucleotide variant.
Coding change: c.1306T>C on transcript NM_002485.5 (MANE Select); coding-DNA position 1306, T replaced by C.
Protein change: p.Leu436=; no amino-acid change (leucine 436 retained).
Molecular consequence: synonymous variant.
Genome position (GRCh38, 1-based): chr8:89,955,374, A>G on the plus strand (T>C on the coding strand, the complement: NBN is on the minus strand). VCF-style: chr8-89955374-A-G. GRCh37 (hg19) VCF-style: chr8-90967602-A-G.
Other names: c.1060T>C, p.Leu354= (NM_001024688.3).
Identifiers: ClinVar variation 219677 (VCV000219677.44), dbSNP rs375885975, ClinGen allele CA348331.

ClinVar aggregate classification (germline): Likely benign. Review status: criteria provided, multiple submitters, no conflicts (2 of 4 stars). 5 submissions from 5 submitters: Likely benign (5). Last evaluated 2025-08-15.

Conditions:
Hereditary cancer-predisposing syndrome. Also called: Neoplastic Syndromes, Hereditary; Hereditary Cancer Syndrome; Tumor predisposition; Hereditary neoplastic syndrome. Identifiers: Orphanet 140162, MedGen C0027672, MeSH D009386, MONDO:0015356.
Microcephaly, normal intelligence and immunodeficiency (NBS). Also called: Immunodeficiency, microcephaly with normal intelligence; BERLIN BREAKAGE SYNDROME; SEEMANOVA SYNDROME II; Ataxia telangiectasia variant V1; Nijmegen breakage syndrome; Microcephaly with normal intelligence immunodeficiency and lymphoreticular malignancies. Identifiers: Orphanet 647, MedGen C0398791, MONDO:0009623, OMIM 251260.

Allele frequency attached by ClinVar (database versions not stated): gnomAD exomes below 0.00001 and 0.00002; ExAC 0.00001; TOPMed 0.00002; gnomAD 0.00006; ESP Exome Variant Server 0.00008.
gnomAD v4.1: 34 of 1,613,750 alleles (0.0021%); highest among the groups gnomAD compares: Non-Finnish European, 0.0023%; no homozygotes.

Submissions (5):

Labcorp Genetics (formerly Invitae), Labcorp
Classification: Likely benign for Microcephaly, normal intelligence and immunodeficiency. Last evaluated: 2025-08-15. Review status: criteria provided, single submitter. Criteria: Invitae Variant Classification Sherloc (09022015). Collection method: clinical testing. Allele origin: germline.

Blueprint Genetics
Classification: Likely benign. Last evaluated: 2024-05-24. Review status: criteria provided, single submitter. Criteria: ACMG Guidelines, 2015. Collection method: clinical testing. Allele origin: germline.

CeGaT Center for Human Genetics Tuebingen
Classification: Likely benign. Last evaluated: 2023-10-01. Review status: criteria provided, single submitter. Criteria: CeGaT Center For Human Genetics Tuebingen Variant Classification Criteria Version 2. Collection method: clinical testing. Allele origin: germline. Affected: yes. Observed: 1 variant allele.
Comment: NBN: BP4, BP7

GeneDx
Classification: Likely benign. Last evaluated: 2020-02-03. Review status: criteria provided, single submitter. Criteria: GeneDx Variant Classification Process June 2021. Collection method: clinical testing. Allele origin: germline. Affected: yes.

Ambry Genetics
Classification: Likely benign for Hereditary cancer-predisposing syndrome. Last evaluated: 2016-03-11. Review status: criteria provided, single submitter. Criteria: Ambry Variant Classification Scheme 2023. Collection method: clinical testing. Allele origin: germline.